The following is an entry in ClinVar:

NM_001605.3(AARS1):c.884A>G (p.Tyr295Cys)

Gene: AARS1 (alanyl-tRNA synthetase 1; minus strand). Cytogenetic location: 16q22.1.
Variant type: single nucleotide variant.
Coding change: c.884A>G on transcript NM_001605.3 (MANE Select); coding-DNA position 884, A replaced by G.
Protein change: p.Tyr295Cys; replaces tyrosine 295 with cysteine.
Molecular consequence: missense variant.
Genome position (GRCh38, 1-based): chr16:70,269,696, T>C on the plus strand (A>G on the coding strand, the complement: AARS1 is on the minus strand). VCF-style: chr16-70269696-T-C. GRCh37 (hg19) VCF-style: chr16-70303599-T-C.
Other names: short protein forms Y295C.
Identifiers: ClinVar variation 4281988 (VCV004281988.1).

ClinVar aggregate classification (germline): Uncertain significance (1 of 4 stars; one submission).

Submission:

GeneDx
Classification: Uncertain significance. Last evaluated: 2025-04-08. Review status: criteria provided, single submitter. Criteria: GeneDx Variant Classification Process June 2021. Collection method: clinical testing. Allele origin: germline. Affected: yes.
Comment: Not observed at significant frequency in large population cohorts (gnomAD); In silico analysis supports that this missense variant has a deleterious effect on protein structure/function; Has not been previously published as pathogenic or benign to our knowledge